The following is an entry in ClinVar:

NM_000218.3(KCNQ1):c.923T>A (p.Val308Asp)

Gene: KCNQ1 (potassium voltage-gated channel subfamily Q member 1; plus strand). Cytogenetic location: 11p15.5.
Variant type: single nucleotide variant.
Coding change: c.923T>A on transcript NM_000218.3 (MANE Select); coding-DNA position 923, T replaced by A.
Protein change: p.Val308Asp; replaces valine 308 with aspartic acid.
Molecular consequence: missense variant.
Genome position (GRCh38, 1-based): chr11:2,583,436, T>A. VCF-style: chr11-2583436-T-A. GRCh37 (hg19) VCF-style: chr11-2604666-T-A.
Other names: c.923T>A (LRG_287t1); c.923T>A, p.Val308Asp (NM_001406836.1); c.653T>A, p.Val218Asp (NM_001406837.1); c.479T>A, p.Val160Asp (NM_001406838.1); c.542T>A, p.Val181Asp (NM_181798.2); short protein forms V308D, V181D, V160D, V218D.
Identifiers: ClinVar variation 53130 (VCV000053130.3), dbSNP rs199473467, ClinGen allele CA008698.

ClinVar aggregate classification (germline): not provided (0 of 4 stars; one submission).

Conditions:
Familial long QT syndrome (RWS). Also called: Congenital long QT syndrome; Romano-Ward syndrome; VENTRICULAR FIBRILLATION WITH PROLONGED QT INTERVAL. Identifiers: Orphanet 768, MedGen C1141890, MONDO:0019171.

Submission:

Cardiovascular Biomedical Research Unit, Royal Brompton & Harefield NHS Foundation Trust
No classification provided. Condition: Familial long QT syndrome. Review status: no classification provided. Collection method: literature only. Allele origin: germline.
Comment: This variant has been reported as associated with Long QT syndrome in the following publications (PMID:16414944). This is a literature report, and does not necessarily reflect the clinical interpretation of the Imperial College / Royal Brompton Cardiovascular Genetics laboratory.

Literature cited by the submitters: PubMed 16414944; PubMed 22581653.